The following is an entry in ClinVar:

NM_001375567.1(FOCAD):c.2723G>C (p.Arg908Thr)

Gene: FOCAD (focadhesin; plus strand). Cytogenetic location: 9p21.3.
Variant type: single nucleotide variant.
Coding change: c.2723G>C on transcript NM_001375567.1 (MANE Select); coding-DNA position 2723, G replaced by C.
Protein change: p.Arg908Thr; replaces arginine 908 with threonine.
Molecular consequence: missense variant.
Genome position (GRCh38, 1-based): chr9:20,912,870, G>C. VCF-style: chr9-20912870-G-C. GRCh37 (hg19) VCF-style: chr9-20912869-G-C.
Other names: c.2618G>C, p.Arg873Thr (NM_001375568.1, NM_001375570.1); c.2723G>C, p.Arg908Thr (NM_017794.5); c.2723G>C (NM_017794.3); short protein forms R873T, R908T.
Identifiers: ClinVar variation 3631424 (VCV003631424.3).

ClinVar aggregate classification (germline): Uncertain significance. Review status: criteria provided, multiple submitters, no conflicts (2 of 4 stars). 2 submissions from 2 submitters: Uncertain significance (2). Last evaluated 2025-02-27.

Conditions:
Inborn genetic diseases. Identifiers: MedGen C0950123, MeSH D030342.

gnomAD v4.1: 32 of 1,612,836 alleles (0.002%); highest among the groups gnomAD compares: African/African-American, 0.0027%; no homozygotes.

Submissions (2):

Labcorp Genetics (formerly Invitae), Labcorp
Classification: Uncertain significance. Last evaluated: 2025-02-27. Review status: criteria provided, single submitter. Criteria: Invitae Variant Classification Sherloc (09022015). Collection method: clinical testing. Allele origin: germline.
Comment: This sequence change replaces arginine, which is basic and polar, with threonine, which is neutral and polar, at codon 908 of the FOCAD protein (p.Arg908Thr). This variant is present in population databases (rs778674244, gnomAD 0.007%). This variant has not been reported in the literature in individuals affected with FOCAD-related conditions. Experimental studies and prediction algorithms are not available or were not evaluated, and the functional significance of this variant is currently unknown. In summary, the available evidence is currently insufficient to determine the role of this variant in disease. Therefore, it has been classified as a Variant of Uncertain Significance.

Ambry Genetics
Classification: Uncertain significance for Inborn genetic diseases. Last evaluated: 2025-02-25. Review status: criteria provided, single submitter. Criteria: Ambry Variant Classification Scheme 2023. Collection method: clinical testing. Allele origin: germline.